The following is an entry in ClinVar:

ClinVar aggregate classification (germline): Uncertain significance (1 of 4 stars; one submission).

Submission:

Labcorp Genetics (formerly Invitae), Labcorp
Classification: Uncertain significance. Last evaluated: 2025-02-07. Review status: criteria provided, single submitter. Criteria: Invitae Variant Classification Sherloc (09022015). Collection method: clinical testing. Allele origin: germline.
Comment: This sequence change replaces aspartic acid, which is acidic and polar, with glycine, which is neutral and non-polar, at codon 642 of the KCNH1 protein (p.Asp642Gly). This variant is not present in population databases (gnomAD no frequency). This variant has not been reported in the literature in individuals affected with KCNH1-related conditions. Invitae Evidence Modeling of protein sequence and biophysical properties (such as structural, functional, and spatial information, amino acid conservation, physicochemical variation, residue mobility, and thermodynamic stability) has been performed for this missense variant. However, the output from this modeling did not meet the statistical confidence thresholds required to predict the impact of this variant on KCNH1 protein function. In summary, the available evidence is currently insufficient to determine the role of this variant in disease. Therefore, it has been classified as a Variant of Uncertain Significance.

NM_172362.3(KCNH1):c.1925A>G (p.Asp642Gly)

Gene: KCNH1 (potassium voltage-gated channel subfamily H member 1; minus strand). Cytogenetic location: 1q32.2.
Variant type: single nucleotide variant.
Coding change: c.1925A>G on transcript NM_172362.3 (MANE Select); coding-DNA position 1925, A replaced by G.
Protein change: p.Asp642Gly; replaces aspartic acid 642 with glycine.
Molecular consequence: missense variant.
Genome position (GRCh38, 1-based): chr1:210,775,535, T>C on the plus strand (A>G on the coding strand, the complement: KCNH1 is on the minus strand). VCF-style: chr1-210775535-T-C. GRCh37 (hg19) VCF-style: chr1-210948877-T-C.
Other names: c.1844A>G, p.Asp615Gly (NM_002238.4); short protein forms D642G, D615G.
Identifiers: ClinVar variation 4748679 (VCV004748679.1).